The following is an entry in ClinVar:

NM_006440.5(TXNRD2):c.1276-3C>T

Gene: TXNRD2 (thioredoxin reductase 2; minus strand). Cytogenetic location: 22q11.21.
Variant type: single nucleotide variant.
Coding change: c.1276-3C>T on transcript NM_006440.5 (MANE Select); 3 bases into the intron before coding-DNA position 1276, C replaced by T.
Molecular consequence: intron variant.
Genome position (GRCh38, 1-based): chr22:19,878,440, G>A on the plus strand (C>T on the coding strand, the complement: TXNRD2 is on the minus strand). VCF-style: chr22-19878440-G-A. GRCh37 (hg19) VCF-style: chr22-19865963-G-A.
Other names: c.1273-3C>T (NM_001352300.2); c.988-3C>T (NM_001352302.2); c.1186-3C>T (NM_001352301.2).
Identifiers: ClinVar variation 3225588 (VCV003225588.1), dbSNP rs1231437795, ClinGen allele CA638504463.

ClinVar aggregate classification (germline): Uncertain significance (1 of 4 stars; one submission).

Conditions:
Cardiovascular phenotype. Identifiers: MedGen CN230736.

Allele frequency attached by ClinVar (database versions not stated): gnomAD exomes below 0.00001; gnomAD 0.00001.
gnomAD v4.1: 2 of 1,613,304 alleles (0.00012%); highest among the groups gnomAD compares: African/African-American, 0.0013%; no homozygotes.

Submission:

Ambry Genetics
Classification: Uncertain significance for Cardiovascular phenotype. Last evaluated: 2022-11-17. Review status: criteria provided, single submitter. Criteria: Ambry Variant Classification Scheme 2023. Collection method: clinical testing. Allele origin: germline.
Comment: The c.1276-3C>T intronic variant results from a C to T substitution 3 nucleotides upstream from coding exon 15 in the TXNRD2 gene. This nucleotide position is well conserved in available vertebrate species. In silico splice site analysis predicts that this alteration will not have any significant effect on splicing. The evidence for this gene-disease relationship is limited; therefore, the clinical significance of this alteration is unclear.